The following is an entry in ClinVar:

NM_021831.6(AGBL5):c.2661A>G (p.Ter887Trp)

Gene: AGBL5 (AGBL carboxypeptidase 5; plus strand). Cytogenetic location: 2p23.3.
Variant type: single nucleotide variant.
Coding change: c.2661A>G on transcript NM_021831.6 (MANE Select); coding-DNA position 2661, A replaced by G.
Protein change: p.Ter887Trp.
Molecular consequence: stop lost. On other transcripts: non-coding transcript variant (2).
Genome position (GRCh38, 1-based): chr2:27,070,263, A>G. VCF-style: chr2-27070263-A-G. GRCh37 (hg19) VCF-style: chr2-27293131-A-G.
Identifiers: ClinVar variation 2421409 (VCV002421409.3), dbSNP rs758037536, ClinGen allele CA1568323.

ClinVar aggregate classification (germline): Uncertain significance (1 of 4 stars; one submission).

Allele frequency attached by ClinVar (database versions not stated): TOPMed 0.00001; gnomAD exomes 0.00002.
gnomAD v4.1: 15 of 1,614,120 alleles (0.00093%); highest among the groups gnomAD compares: Admixed American, 0.023%; no homozygotes.

Submission:

Labcorp Genetics (formerly Invitae), Labcorp
Classification: Uncertain significance. Last evaluated: 2022-05-15. Review status: criteria provided, single submitter. Criteria: Invitae Variant Classification Sherloc (09022015). Collection method: clinical testing. Allele origin: germline.
Comment: This sequence change disrupts the translational stop signal of the AGBL5 mRNA. It is expected to extend the length of the AGBL5 protein by 1 additional amino acid residues. This variant is present in population databases (rs758037536, gnomAD 0.04%). This variant has not been reported in the literature in individuals affected with AGBL5-related conditions. Algorithms developed to predict the effect of sequence changes on RNA splicing suggest that this variant may create or strengthen a splice site. In summary, the available evidence is currently insufficient to determine the role of this variant in disease. Therefore, it has been classified as a Variant of Uncertain Significance.